The following is an entry in ClinVar:

ClinVar aggregate classification (germline): Uncertain significance (1 of 4 stars; one submission).

Conditions:
Fabry disease. Also called: Fabry's disease; ALPHA-GALACTOSIDASE A DEFICIENCY; ANDERSON-FABRY DISEASE; CERAMIDE TRIHEXOSIDASE DEFICIENCY; GLA DEFICIENCY; HEREDITARY DYSTOPIC LIPIDOSIS. Identifiers: Orphanet 324, MedGen C0002986, MONDO:0010526, OMIM 301500, HP:0001071. Disease mechanism: Fabry disease is due to inactivating mutations in the X-linked GLA gene resulting in deficiency of the enzyme Alpha Galactosidase-A., loss of function.

Submission:

MVZ Medizinische Genetik Mainz
Classification: Uncertain significance for Fabry disease. Last evaluated: 2025-03-06. Review status: criteria provided, single submitter. Criteria: UK Practice Guidelines For Variant Classification V4 01 2020. Collection method: clinical testing. Allele origin: germline. Inheritance: X-linked dominant inheritance. Affected: yes. Observed: 1 variant allele.
Comment: ACMG Criteria: PM2_SUP

NM_000169.3(GLA):c.664T>A (p.Tyr222Asn)

Genes: GLA (galactosidase alpha; minus strand), RPL36A-HNRNPH2 (RPL36A-HNRNPH2 readthrough; plus strand). Cytogenetic location: Xq22.1.
Variant type: single nucleotide variant.
Coding change: c.664T>A on transcript NM_000169.3 (MANE Select); coding-DNA position 664, T replaced by A.
Protein change: p.Tyr222Asn; replaces tyrosine 222 with asparagine.
Molecular consequence: missense variant. On other transcripts: non-coding transcript variant (3), intron variant (2).
Genome position (GRCh38, 1-based): chrX:101,398,922, A>T on the plus strand (T>A on the coding strand, the complement: GLA is on the minus strand). VCF-style: chrX-101398922-A-T. GRCh37 (hg19) VCF-style: chrX-100653910-A-T.
Other names: c.787T>A, p.Tyr263Asn (NM_001406747.1); c.664T>A, p.Tyr222Asn (NM_001406748.1); c.300+3465A>T (NM_001199973.2); c.177+7100A>T (NM_001199974.2); short protein forms Y222N, Y263N.
Identifiers: ClinVar variation 3774589 (VCV003774589.1).